The following is an entry in ClinVar:

ClinVar aggregate classification (germline): Uncertain significance (1 of 4 stars; one submission).

Conditions:
Hereditary cancer-predisposing syndrome. Also called: Hereditary Cancer Syndrome; Neoplastic Syndromes, Hereditary; Tumor predisposition; Hereditary neoplastic syndrome. Identifiers: Orphanet 140162, MedGen C0027672, MeSH D009386, MONDO:0015356.

Submission:

Ambry Genetics
Classification: Uncertain significance for Hereditary cancer-predisposing syndrome. Last evaluated: 2026-07-07. Review status: criteria provided, single submitter. Criteria: Ambry Variant Classification Scheme 2023. Collection method: clinical testing. Allele origin: germline.
Comment: The p.P250T variant (also known as c.748C>A), located in coding exon 6 of the DICER1 gene, results from a C to A substitution at nucleotide position 748. The proline at codon 250 is replaced by threonine, an amino acid with highly similar properties. This amino acid position is conserved. In addition, this alteration is predicted to be deleterious by in silico analysis. Based on the available evidence, the clinical significance of this variant remains unclear.

NM_177438.3(DICER1):c.748C>A (p.Pro250Thr)

Gene: DICER1 (dicer 1, ribonuclease III; minus strand). Cytogenetic location: 14q32.13.
Variant type: single nucleotide variant.
Coding change: c.748C>A on transcript NM_177438.3 (MANE Select); coding-DNA position 748, C replaced by A.
Protein change: p.Pro250Thr; replaces proline 250 with threonine.
Molecular consequence: missense variant. On other transcripts: 5 prime UTR variant (1), non-coding transcript variant (6).
Genome position (GRCh38, 1-based): chr14:95,126,735, G>T on the plus strand (C>A on the coding strand, the complement: DICER1 is on the minus strand). VCF-style: chr14-95126735-G-T. GRCh37 (hg19) VCF-style: chr14-95593072-G-T.
Other names: c.748C>A, p.Pro250Thr (NM_001195573.1, NM_001271282.3, NM_001291628.2 and 14 more transcripts); c.466C>A, p.Pro156Thr (NM_001395686.1); c.343C>A, p.Pro115Thr (NM_001395687.1, NM_001395688.1, NM_001395689.1 and 3 more transcripts); c.181C>A, p.Pro61Thr (NM_001395691.1); c.-821C>A (NM_001395697.1); short protein forms P156T, P250T, P61T, P115T.
Identifiers: ClinVar variation 5035272 (VCV005035272.1).
Genomic context (GRCh38, chr14:95,126,735, plus strand): 5'-GTCTTTCATAAAGCCCACTTCTGTCAGTAAATGGTCCACAATCCACCACAATCTCACATG[G>T]CTGAGAAGTATACCTTTAACATAAGAAACAAAAGGTATCAATACTGCAGTAGTGAGAATG-3'
Protein context (NP_803187.1, residues 240-260): LVVLDRYTSQ[Pro250Thr]CEIVVDCGPF